The following is an entry in ClinVar:

ClinVar aggregate classification (germline): Conflicting classifications of pathogenicity. Review status: criteria provided, conflicting classifications (1 of 4 stars). 11 submissions from 11 submitters: Uncertain significance (2); Likely benign (8). 1 of the submissions does not count toward it. Last evaluated 2026-05-01.

Conditions:
POMT1-related disorder. Also called: POMT1-related disorders; POMT1-related condition.
Autosomal recessive limb-girdle muscular dystrophy type 2K. Also called: MUSCULAR DYSTROPHY-DYSTROGLYCANOPATHY (LIMB-GIRDLE), TYPE C, 1; MUSCULAR DYSTROPHY, LIMB-GIRDLE, TYPE 2K. Identifiers: Orphanet 86812, MedGen C1836373, MONDO:0012248, OMIM 609308.
Muscular dystrophy-dystroglycanopathy (congenital with impaired intellectual development), type B, 1. Also called: Muscular dystrophy-dystroglycanopathy (congenital with intellectual disability), type B1; MUSCULAR DYSTROPHY, CONGENITAL, POMT1-RELATED. Identifiers: MedGen C5436962, MONDO:0013159, OMIM 613155.
Walker-Warburg congenital muscular dystrophy. Also called: Muscular dystrophy-dystroglycanopathy, type A; Walker-Warburg syndrome. Identifiers: Orphanet 899, MedGen C0265221, MONDO:0000171.

Allele frequency attached by ClinVar (database versions not stated): 1000 Genomes Project 30x 0.00031; 1000 Genomes Project 0.00040; TOPMed 0.00052; gnomAD 0.00070 and 0.00071; ExAC 0.00095; ESP Exome Variant Server 0.00108.
gnomAD v4.1: 1,024 of 1,610,418 alleles (0.064%); highest among the groups gnomAD compares: Non-Finnish European, 0.061%; 3 homozygotes.

Submissions (11):

CeGaT Center for Human Genetics Tuebingen
Classification: Likely benign. Last evaluated: 2026-05-01. Review status: criteria provided, single submitter. Criteria: CeGaT Center For Human Genetics Tuebingen Variant Classification Criteria Version 2. Collection method: clinical testing. Allele origin: germline. Affected: yes. Observed: 2 variant alleles.
Comment: POMT1: BP4, BS2

Women's Health and Genetics/Laboratory Corporation of America, LabCorp
Classification: Likely benign. Last evaluated: 2026-04-20. Review status: criteria provided, single submitter. Criteria: LabCorp Variant Classification Summary - May 2015. Collection method: clinical testing. Allele origin: germline.

Labcorp Genetics (formerly Invitae), Labcorp
Classification: Likely benign for Muscular dystrophy-dystroglycanopathy (congenital with impaired intellectual development), type B, 1; Walker-Warburg congenital muscular dystrophy; Autosomal recessive limb-girdle muscular dystrophy type 2K. Last evaluated: 2026-01-24. Review status: criteria provided, single submitter. Criteria: Invitae Variant Classification Sherloc (09022015). Collection method: clinical testing. Allele origin: germline.

Laboratory of Genetics, Children's Clinical University Hospital Latvia
Classification: Likely benign. Last evaluated: 2025-02-16. Review status: criteria provided, single submitter. Criteria: ACMG Guidelines, 2015. Collection method: clinical testing. Allele origin: germline. Affected: yes.

Blueprint Genetics
Classification: Likely benign. Last evaluated: 2024-10-31. Review status: criteria provided, single submitter. Criteria: ACMG Guidelines, 2015. Collection method: clinical testing. Allele origin: germline.

GeneDx
Classification: Likely benign. Last evaluated: 2021-03-30. Review status: criteria provided, single submitter. Criteria: GeneDx Variant Classification Process June 2021. Collection method: clinical testing. Allele origin: germline. Affected: yes.

Athena Diagnostics
Classification: Likely benign. Last evaluated: 2018-07-25. Review status: criteria provided, single submitter. Criteria: Athena Diagnostics Criteria. Collection method: clinical testing. Allele origin: germline.

Illumina Laboratory Services, Illumina
Classification: Uncertain significance for Autosomal recessive limb-girdle muscular dystrophy type 2K. Last evaluated: 2018-01-12. Review status: criteria provided, single submitter. Criteria: ICSL Variant Classification Criteria 13 December 2019. Collection method: clinical testing. Allele origin: germline.

Eurofins Ntd Llc (ga)
Classification: Likely benign. Last evaluated: 2015-08-04. Review status: criteria provided, single submitter. Criteria: EGL Classification Definitions 2015. Collection method: clinical testing. Allele origin: germline. Observed: 3 variant alleles, 3 heterozygotes.

Genetic Services Laboratory, University of Chicago
Classification: Uncertain significance. Last evaluated: 2015-06-02. Review status: criteria provided, single submitter. Criteria: ACMG Guidelines, 2015. Collection method: clinical testing. Allele origin: germline.

PreventionGenetics, part of Exact Sciences
Classification: Likely benign for POMT1-related condition. Last evaluated: 2019-11-01. Review status: no assertion criteria provided. Collection method: clinical testing. Allele origin: germline. Not counted in ClinVar's aggregate classification.
Comment: This variant is classified as likely benign based on ACMG/AMP sequence variant interpretation guidelines (Richards et al. 2015 PMID: 25741868, with internal and published modifications).

NM_001077365.2(POMT1):c.2178G>A (p.Ter726=)

Gene: POMT1 (protein O-mannosyltransferase 1; plus strand). Cytogenetic location: 9q34.13.
Variant type: single nucleotide variant.
Coding change: c.2178G>A on transcript NM_001077365.2 (MANE Select); coding-DNA position 2178, G replaced by A.
Protein change: p.Ter726=.
Molecular consequence: synonymous variant. On other transcripts: non-coding transcript variant (10).
Genome position (GRCh38, 1-based): chr9:131,523,106, G>A. VCF-style: chr9-131523106-G-A. GRCh37 (hg19) VCF-style: chr9-134398493-G-A.
Other names: c.2016G>A, p.Ter672= (NM_001077366.2, NM_001353194.2); c.2178G>A, p.Ter726= (NM_001136113.2); c.1827G>A, p.Ter609= (NM_001136114.2, NM_001353195.2, NM_001374691.1 and 2 more transcripts); c.2244G>A, p.Ter748= (NM_001353193.2, NM_007171.4); c.2088G>A, p.Ter696= (NM_001353196.2); c.2082G>A, p.Ter694= (NM_001353197.2, NM_001353198.2); c.1893G>A, p.Ter631= (NM_001353199.2); c.1722G>A, p.Ter574= (NM_001353200.2); and 3 more.
Identifiers: ClinVar variation 211947 (VCV000211947.77), dbSNP rs147143094, ClinGen allele CA208025.
Genomic context (GRCh38, chr9:131,523,106, plus strand): 5'-ACATGAACTCAAGGCCCTTCGCTGGAAAGACAGCTGGGACATCTTGATCCGAAAACACTA[G>A]AACAAGAGTGTGGCAAAGAACACCCGTGCTGGGGTCGGGATGAGGTTGAAGGGTCTTGGT-3'